The following is an entry in ClinVar:

NM_021619.3(PRDM12):c.158A>G (p.Lys53Arg)

Gene: PRDM12 (PR/SET domain 12; plus strand). Cytogenetic location: 9q34.12.
Variant type: single nucleotide variant.
Coding change: c.158A>G on transcript NM_021619.3 (MANE Select); coding-DNA position 158, A replaced by G.
Protein change: p.Lys53Arg; replaces lysine 53 with arginine.
Molecular consequence: missense variant.
Genome position (GRCh38, 1-based): chr9:130,664,811, A>G. VCF-style: chr9-130664811-A-G. GRCh37 (hg19) VCF-style: chr9-133540198-A-G.
Other names: short protein forms K53R.
Identifiers: ClinVar variation 3776650 (VCV003776650.1).

ClinVar aggregate classification (germline): Uncertain significance (1 of 4 stars; one submission).

Submission:

GeneDx
Classification: Uncertain significance. Last evaluated: 2024-10-02. Review status: criteria provided, single submitter. Criteria: GeneDx Variant Classification Process June 2021. Collection method: clinical testing. Allele origin: germline. Affected: yes.
Comment: Not observed at significant frequency in large population cohorts (gnomAD); In silico analysis indicates that this missense variant does not alter protein structure/function; Has not been previously published as pathogenic or benign to our knowledge